The following is an entry in ClinVar:

NM_000093.5(COL5A1):c.1528G>A (p.Asp510Asn)

Gene: COL5A1 (collagen type V alpha 1 chain; plus strand). Cytogenetic location: 9q34.3.
Variant type: single nucleotide variant.
Coding change: c.1528G>A on transcript NM_000093.5 (MANE Select); coding-DNA position 1528, G replaced by A.
Protein change: p.Asp510Asn; replaces aspartic acid 510 with asparagine.
Molecular consequence: missense variant.
Genome position (GRCh38, 1-based): chr9:134,750,575, G>A. VCF-style: chr9-134750575-G-A. GRCh37 (hg19) VCF-style: chr9-137642421-G-A.
Other names: p.D510N:GAT>AAT; c.1528G>A, p.Asp510Asn (NM_001278074.1); short protein forms D510N.
Identifiers: ClinVar variation 212933 (VCV000212933.11), dbSNP rs374204025, ClinGen allele CA324129.
Genomic context (GRCh38, chr9:134,750,575, plus strand): 5'-TTGTCTCTCTTGGCCCCTTGTCTTCAGGGCCCCCCTGGACGCCCAGGCCTTCCTGGGGCC[G>A]ATGGCCTGCCCGGTCCTCCAGGAACCATGCTCATGCTGCCCGTGAGTACCCTTATCAGTC-3'
Protein context (NP_000084.3, residues 500-520): PPGRPGLPGA[Asp510Asn]GLPGPPGTML

ClinVar aggregate classification (germline): Conflicting classifications of pathogenicity. Review status: criteria provided, conflicting classifications (1 of 4 stars). 3 submissions from 3 submitters: Uncertain significance (2); Benign (1). Last evaluated 2025-10-23.

Conditions:
Ehlers-Danlos syndrome, classic type, 1 (EDSCL1). Also called: Ehlers-Danlos Syndrome, Classic Type, COL5A1-Related; EHLERS-DANLOS SYNDROME, GRAVIS TYPE; EHLERS-DANLOS SYNDROME, SEVERE CLASSIC TYPE; Ehlers-Danlos syndrome, type 1; EDS I. Identifiers: MedGen C0268335, MONDO:0019567, OMIM 130000.
Familial thoracic aortic aneurysm and aortic dissection (TAAD). Also called: Thoracic aortic aneurysms and dissections. Identifiers: Orphanet 91387, MedGen C4707243, MONDO:0019625.

Allele frequency attached by ClinVar (database versions not stated): TOPMed 0.00002; gnomAD 0.00003 and 0.00004; ESP Exome Variant Server 0.00015.
gnomAD v4.1: 87 of 1,613,434 alleles (0.0054%); highest among the groups gnomAD compares: East Asian, 0.0067%; no homozygotes.

Submissions (3):

Labcorp Genetics (formerly Invitae), Labcorp
Classification: Benign for Ehlers-Danlos syndrome, classic type, 1. Last evaluated: 2025-10-23. Review status: criteria provided, single submitter. Criteria: Invitae Variant Classification Sherloc (09022015). Collection method: clinical testing. Allele origin: germline.

Ambry Genetics
Classification: Uncertain significance for Familial thoracic aortic aneurysm and aortic dissection. Last evaluated: 2023-09-06. Review status: criteria provided, single submitter. Criteria: Ambry Variant Classification Scheme 2023. Collection method: clinical testing. Allele origin: germline.
Comment: The p.D510N variant (also known as c.1528G>A), located in coding exon 12 of the COL5A1 gene, results from a G to A substitution at nucleotide position 1528. The aspartic acid at codon 510 is replaced by asparagine, an amino acid with highly similar properties. This amino acid position is highly conserved in available vertebrate species. In addition, the in silico prediction for this alteration is inconclusive. Since supporting evidence is limited at this time, the clinical significance of this alteration remains unclear.

GeneDx
Classification: Uncertain significance. Last evaluated: 2019-11-27. Review status: criteria provided, single submitter. Criteria: GeneDx Variant Classification Process June 2021. Collection method: clinical testing. Allele origin: germline. Affected: yes.
Comment: Has not been previously published as pathogenic or benign to our knowledge; Not observed at a significant frequency in large population cohorts (Lek et al., 2016); In silico analysis, which includes protein predictors and evolutionary conservation, supports a deleterious effect; Not located in the triple helical region, where the majority of pathogenic missense variants occur (Symoens et al., 2012; Stenson et al., 2014)